The following is an entry in ClinVar:

ClinVar aggregate classification (germline): Pathogenic (1 of 4 stars; one submission).

Conditions:
Hereditary cancer-predisposing syndrome. Also called: Neoplastic Syndromes, Hereditary; Tumor predisposition; Hereditary Cancer Syndrome; Hereditary neoplastic syndrome. Identifiers: Orphanet 140162, MedGen C0027672, MeSH D009386, MONDO:0015356.

Submission:

Ambry Genetics
Classification: Pathogenic for Hereditary cancer-predisposing syndrome. Last evaluated: 2022-02-08. Review status: criteria provided, single submitter. Criteria: Ambry Variant Classification Scheme 2023. Collection method: clinical testing. Allele origin: germline.
Comment: The c.1408delCins47 pathogenic mutation, located in coding exon 11 of the PMS2 gene, results from the deletion of one nucleotide and insertion of 47 nucleotides causing a translational frameshift with a predicted alternate stop codon (p.P470Vfs*3). This variant is considered to be rare based on population cohorts in the Genome Aggregation Database (gnomAD). This alteration is expected to result in loss of function by premature protein truncation or nonsense-mediated mRNA decay. As such, this alteration is interpreted as a disease-causing mutation.

NM_000535.7(PMS2):c.1408delinsGTCTTCTAGCACTTCAGGTGCCATCTCTGACAAAGGCGTCCTGAGAT (p.Pro470delinsValPheTer)

Gene: PMS2 (PMS1 homolog 2, mismatch repair system component; minus strand). Cytogenetic location: 7p22.1.
Variant type: Indel.
Coding change: c.1408delinsGTCTTCTAGCACTTCAGGTGCCATCTCTGACAAAGGCGTCCTGAGAT on transcript NM_000535.7 (MANE Select); coding-DNA position 1408, the reference bases replaced by an inserted sequence.
Protein change: p.Pro470delinsValPheTer.
Molecular consequence: nonsense. On other transcripts: non-coding transcript variant (1).
Genome position (GRCh38, 1-based): chr7:5,987,357, one base replaced. GRCh37 (hg19), VCF-style position (the base before the change): chr7:6,026,988.
Other names: c.1003delinsGTCTTCTAGCACTTCAGGTGCCATCTCTGACAAAGGCGTCCTGAGAT, p.Pro335delinsValPheTer (NM_001322003.2, NM_001322004.2, NM_001322005.2 and 1 more transcripts); c.1252delinsGTCTTCTAGCACTTCAGGTGCCATCTCTGACAAAGGCGTCCTGAGAT, p.Pro418delinsValPheTer (NM_001322006.2); c.1090delinsGTCTTCTAGCACTTCAGGTGCCATCTCTGACAAAGGCGTCCTGAGAT, p.Pro364delinsValPheTer (NM_001322007.2, NM_001322008.2); c.847delinsGTCTTCTAGCACTTCAGGTGCCATCTCTGACAAAGGCGTCCTGAGAT, p.Pro283delinsValPheTer (NM_001322010.2); c.475delinsGTCTTCTAGCACTTCAGGTGCCATCTCTGACAAAGGCGTCCTGAGAT, p.Pro159delinsValPheTer (NM_001322011.2, NM_001322012.2); c.835delinsGTCTTCTAGCACTTCAGGTGCCATCTCTGACAAAGGCGTCCTGAGAT, p.Pro279delinsValPheTer (NM_001322013.2); c.1408delinsGTCTTCTAGCACTTCAGGTGCCATCTCTGACAAAGGCGTCCTGAGAT, p.Pro470delinsValPheTer (NM_001322014.2); c.1099delinsGTCTTCTAGCACTTCAGGTGCCATCTCTGACAAAGGCGTCCTGAGAT, p.Pro367delinsValPheTer (NM_001322015.2).
Identifiers: ClinVar variation 484306 (VCV000484306.5), dbSNP rs1554297781, ClinGen allele CA658655978.